The following is an entry in ClinVar:

ClinVar aggregate classification (germline): Uncertain significance (1 of 4 stars; one submission).

Conditions:
Hereditary hemochromatosis (HFE). Identifiers: MedGen C0392514, MONDO:0006507. Disease mechanism: loss of function.

Allele frequency attached by ClinVar (database versions not stated): ESP Exome Variant Server 0.00015; gnomAD 0.00020.
gnomAD v4.1: 149 of 1,608,156 alleles (0.0093%); highest among the groups gnomAD compares: Non-Finnish European, 0.012%; no homozygotes.

Submission:

Labcorp Genetics (formerly Invitae), Labcorp
Classification: Uncertain significance for Hereditary hemochromatosis. Last evaluated: 2022-08-10. Review status: criteria provided, single submitter. Criteria: Invitae Variant Classification Sherloc (09022015). Collection method: clinical testing. Allele origin: germline.
Comment: This sequence change falls in intron 11 of the TFR2 gene. It does not directly change the encoded amino acid sequence of the TFR2 protein. This variant is present in population databases (rs373025420, gnomAD 0.03%). This variant has not been reported in the literature in individuals affected with TFR2-related conditions. Algorithms developed to predict the effect of sequence changes on RNA splicing suggest that this variant may create or strengthen a splice site. In summary, the available evidence is currently insufficient to determine the role of this variant in disease. Therefore, it has been classified as a Variant of Uncertain Significance.

NM_003227.4(TFR2):c.1473+19C>T

Gene: TFR2 (transferrin receptor 2; minus strand). Cytogenetic location: 7q22.1.
Variant type: single nucleotide variant.
Coding change: c.1473+19C>T on transcript NM_003227.4 (MANE Select); 19 bases into the intron after coding-DNA position 1473, C replaced by T.
Molecular consequence: intron variant.
Genome position (GRCh38, 1-based): chr7:100,628,205, G>A on the plus strand (C>T on the coding strand, the complement: TFR2 is on the minus strand). VCF-style: chr7-100628205-G-A. GRCh37 (hg19) VCF-style: chr7-100225828-G-A.
Other names: c.960+19C>T (NM_001206855.3).
Identifiers: ClinVar variation 2055397 (VCV002055397.1), dbSNP rs373025420, ClinGen allele CA4386423.